The following is an entry in ClinVar:

ClinVar aggregate classification (germline): Uncertain significance. Review status: criteria provided, multiple submitters, no conflicts (2 of 4 stars). 4 submissions from 4 submitters: Uncertain significance (4). Last evaluated 2026-06-11.

Conditions:
Inborn genetic diseases. Identifiers: MedGen C0950123, MeSH D030342.

Allele frequency attached by ClinVar (database versions not stated): TOPMed 0.00001; gnomAD exomes 0.00001.
gnomAD v4.1: 5 of 1,614,040 alleles (0.00031%); highest among the groups gnomAD compares: South Asian, 0.0011%; no homozygotes.

Submissions (4):

Women's Health and Genetics/Laboratory Corporation of America, LabCorp
Classification: Uncertain significance. Last evaluated: 2026-06-11. Review status: criteria provided, single submitter. Criteria: LabCorp Variant Classification Summary - May 2015. Collection method: clinical testing. Allele origin: germline.
Comment: Variant summary: SYT2 c.761T>C (p.Ile254Thr) results in a non-conservative amino acid change in the encoded protein sequence. Algorithms developed to predict the effect of missense changes on protein structure and function are either unavailable or do not agree on the potential impact of this missense change. The variant was absent in 251358 control chromosomes. The available data on variant occurrences in the general population are insufficient to allow any conclusion about variant significance. To our knowledge, no occurrence of c.761T>C in individuals affected with SYT2-related conditions and no experimental evidence demonstrating its impact on protein function have been reported. ClinVar contains an entry for this variant (Variation ID: 1298447). Based on the evidence outlined above, the variant was classified as uncertain significance.

Ambry Genetics
Classification: Uncertain significance for Inborn genetic diseases. Last evaluated: 2025-08-24. Review status: criteria provided, single submitter. Criteria: Ambry Variant Classification Scheme 2023. Collection method: clinical testing. Allele origin: germline.

Labcorp Genetics (formerly Invitae), Labcorp
Classification: Uncertain significance. Last evaluated: 2025-05-18. Review status: criteria provided, single submitter. Criteria: Invitae Variant Classification Sherloc (09022015). Collection method: clinical testing. Allele origin: germline.
Comment: This sequence change replaces isoleucine, which is neutral and non-polar, with threonine, which is neutral and polar, at codon 254 of the SYT2 protein (p.Ile254Thr). This variant is not present in population databases (gnomAD no frequency). This variant has not been reported in the literature in individuals affected with SYT2-related conditions. ClinVar contains an entry for this variant (Variation ID: 1298447). Invitae Evidence Modeling of protein sequence and biophysical properties (such as structural, functional, and spatial information, amino acid conservation, physicochemical variation, residue mobility, and thermodynamic stability) indicates that this missense variant is not expected to disrupt SYT2 protein function with a negative predictive value of 80%. In summary, the available evidence is currently insufficient to determine the role of this variant in disease. Therefore, it has been classified as a Variant of Uncertain Significance.

CeGaT Center for Human Genetics Tuebingen
Classification: Uncertain significance. Last evaluated: 2021-10-01. Review status: criteria provided, single submitter. Criteria: CeGaT Center For Human Genetics Tuebingen Variant Classification Criteria Version 2. Collection method: clinical testing. Allele origin: germline. Affected: yes. Observed: 1 variant allele.

NM_177402.5(SYT2):c.761T>C (p.Ile254Thr)

Gene: SYT2 (synaptotagmin 2; minus strand). Cytogenetic location: 1q32.1.
Variant type: single nucleotide variant.
Coding change: c.761T>C on transcript NM_177402.5 (MANE Select); coding-DNA position 761, T replaced by C.
Protein change: p.Ile254Thr; replaces isoleucine 254 with threonine.
Molecular consequence: missense variant.
Genome position (GRCh38, 1-based): chr1:202,601,930, A>G on the plus strand (T>C on the coding strand, the complement: SYT2 is on the minus strand). VCF-style: chr1-202601930-A-G. GRCh37 (hg19) VCF-style: chr1-202571058-A-G.
Other names: c.761T>C, p.Ile254Thr (NM_001136504.1); short protein forms I254T.
Identifiers: ClinVar variation 1298447 (VCV001298447.40), dbSNP rs1038995274, ClinGen allele CA35579760.
Genomic context (GRCh38, chr1:202,601,930, plus strand): 5'-GGCCTCATCTCTGCTCTTACCTCCTCCTTTTCCCCGCCTTGCAGGTCTCTCCACTCCTCA[A>G]TGGGCTGGCCGAGGTCCACTGTGTTCATAGGCACCTTTACCTCTCCAATGATGTCATGTT-3'
Protein context (NP_796376.2, residues 244-264): PMNTVDLGQP[Ile254Thr]EEWRDLQGGE